The following is an entry in ClinVar:

ClinVar aggregate classification (germline): Uncertain significance (1 of 4 stars; one submission).

Submission:

Labcorp Genetics (formerly Invitae), Labcorp
Classification: Uncertain significance. Last evaluated: 2022-03-19. Review status: criteria provided, single submitter. Criteria: Invitae Variant Classification Sherloc (09022015). Collection method: clinical testing. Allele origin: germline.
Comment: This sequence change replaces threonine, which is neutral and polar, with asparagine, which is neutral and polar, at codon 81 of the PRDM13 protein (p.Thr81Asn). In summary, the available evidence is currently insufficient to determine the role of this variant in disease. Therefore, it has been classified as a Variant of Uncertain Significance. Algorithms developed to predict the effect of missense changes on protein structure and function are either unavailable or do not agree on the potential impact of this missense change (SIFT: "Deleterious"; PolyPhen-2: "Benign"; Align-GVGD: "Class C0"). This variant has not been reported in the literature in individuals affected with PRDM13-related conditions. This variant is not present in population databases (gnomAD no frequency).

NM_021620.4(PRDM13):c.242C>A (p.Thr81Asn)

Gene: PRDM13 (PR/SET domain 13; plus strand). Cytogenetic location: 6q16.2.
Variant type: single nucleotide variant.
Coding change: c.242C>A on transcript NM_021620.4 (MANE Select); coding-DNA position 242, C replaced by A.
Protein change: p.Thr81Asn; replaces threonine 81 with asparagine.
Molecular consequence: missense variant.
Genome position (GRCh38, 1-based): chr6:99,608,838, C>A. VCF-style: chr6-99608838-C-A. GRCh37 (hg19) VCF-style: chr6-100056714-C-A.
Other names: short protein forms T81N.
Identifiers: ClinVar variation 2114500 (VCV002114500.4), dbSNP rs920187449, ClinGen allele CA365113906.